The following is an entry in ClinVar:

NM_001378615.1(CC2D2A):c.1393C>T (p.Leu465Phe)

Genes: CC2D2A (coiled-coil and C2 domain containing 2A; plus strand), FBXL5 (F-box and leucine rich repeat protein 5; minus strand). Cytogenetic location: 4p15.32.
Variant type: single nucleotide variant.
Coding change: c.1393C>T on transcript NM_001378615.1 (MANE Select); coding-DNA position 1393, C replaced by T.
Protein change: p.Leu465Phe; replaces leucine 465 with phenylalanine.
Molecular consequence: missense variant.
Genome position (GRCh38, 1-based): chr4:15,528,653, C>T. VCF-style: chr4-15528653-C-T. GRCh37 (hg19) VCF-style: chr4-15530276-C-T.
Other names: c.1393C>T, p.Leu465Phe (NM_001080522.2); c.1246C>T, p.Leu416Phe (NM_001378617.1); short protein forms L465F, L416F.
Identifiers: ClinVar variation 2167308 (VCV002167308.1), dbSNP rs2474955046, ClinGen allele CA356410647.
Genomic context (GRCh38, chr4:15,528,653, plus strand): 5'-CAAAACTTGTATCCATGTCGTTTTAAGCTCCAAGCTTTAAGAAATGCTGTTCAGACTGGC[C>T]TTGATCCAGAAAAACCTCATCAGTCTCTCGATACCATCCAAAAAACCATCAATGAGTATA-3'
Protein context (NP_001365544.1, residues 455-475): QALRNAVQTG[Leu465Phe]DPEKPHQSLD

ClinVar aggregate classification (germline): Uncertain significance (1 of 4 stars; one submission).

Conditions:
Joubert syndrome. Also called: JOUBERT-BOLTSHAUSER SYNDROME; Familial aplasia of the vermis. Identifiers: Orphanet 475, MedGen C5979921, MONDO:0018772.
Meckel-Gruber syndrome. Also called: DYSENCEPHALIA SPLANCHNOCYSTICA; GRUBER SYNDROME; Dysencephalia splachnocystica. Identifiers: Orphanet 564, MedGen C0265215, MONDO:0018921.

Submission:

Labcorp Genetics (formerly Invitae), Labcorp
Classification: Uncertain significance for Joubert syndrome; Meckel-Gruber syndrome. Last evaluated: 2022-08-22. Review status: criteria provided, single submitter. Criteria: Invitae Variant Classification Sherloc (09022015). Collection method: clinical testing. Allele origin: germline.
Comment: This sequence change replaces leucine, which is neutral and non-polar, with phenylalanine, which is neutral and non-polar, at codon 465 of the CC2D2A protein (p.Leu465Phe). This variant is not present in population databases (gnomAD no frequency). This variant has not been reported in the literature in individuals affected with CC2D2A-related conditions. Advanced modeling of protein sequence and biophysical properties (such as structural, functional, and spatial information, amino acid conservation, physicochemical variation, residue mobility, and thermodynamic stability) performed at Invitae indicates that this missense variant is not expected to disrupt CC2D2A protein function. In summary, the available evidence is currently insufficient to determine the role of this variant in disease. Therefore, it has been classified as a Variant of Uncertain Significance.